The following is an entry in ClinVar:

NM_152703.5(SAMD9L):c.396A>C (p.Glu132Asp)

Gene: SAMD9L (sterile alpha motif domain containing 9 like; minus strand). Cytogenetic location: 7q21.2.
Variant type: single nucleotide variant.
Coding change: c.396A>C on transcript NM_152703.5 (MANE Select); coding-DNA position 396, A replaced by C.
Protein change: p.Glu132Asp; replaces glutamic acid 132 with aspartic acid.
Molecular consequence: missense variant.
Genome position (GRCh38, 1-based): chr7:93,135,576, T>G on the plus strand (A>C on the coding strand, the complement: SAMD9L is on the minus strand). VCF-style: chr7-93135576-T-G. GRCh37 (hg19) VCF-style: chr7-92764889-T-G.
Other names: c.396A>C, p.Glu132Asp (NM_001303500.3, NM_001350082.2, NM_001350083.2 and 5 more transcripts); c.396A>C (NM_152703.2); short protein forms E132D.
Identifiers: ClinVar variation 3643808 (VCV003643808.3).
Genomic context (GRCh38, chr7:93,135,576, plus strand): 5'-TTTCTTGTGTTTAGCATTTGCTACTTCATCTAACACATTTTCTTTCATAAGAATTGATTC[T>G]TCTTGTTTGATATCTCTGATCTCTCTGGGATCATAATCAATATTAGATGACATTGAATTT-3'
Protein context (NP_689916.2, residues 122-142): DPREIRDIKQ[Glu132Asp]ESILMKENVL

ClinVar aggregate classification (germline): Uncertain significance. Review status: criteria provided, multiple submitters, no conflicts (2 of 4 stars). 2 submissions from 2 submitters: Uncertain significance (2). Last evaluated 2025-07-13.

Conditions:
Inborn genetic diseases. Identifiers: MedGen C0950123, MeSH D030342.

gnomAD v4.1: 1 of 1,614,012 alleles (0.000062%); highest among the groups gnomAD compares: East Asian, 0.0022%; no homozygotes.

Submissions (2):

Ambry Genetics
Classification: Uncertain significance for Inborn genetic diseases. Last evaluated: 2025-07-13. Review status: criteria provided, single submitter. Criteria: Ambry Variant Classification Scheme 2023. Collection method: clinical testing. Allele origin: germline.
Comment: The p.E132D variant (also known as c.396A>C), located in coding exon 1 of the SAMD9L gene, results from an A to C substitution at nucleotide position 396. The glutamic acid at codon 132 is replaced by aspartic acid, an amino acid with highly similar properties. This amino acid position is conserved. In addition, this alteration is predicted to be tolerated by in silico analysis. Based on the available evidence, the clinical significance of this variant remains unclear.

Labcorp Genetics (formerly Invitae), Labcorp
Classification: Uncertain significance. Last evaluated: 2024-03-01. Review status: criteria provided, single submitter. Criteria: Invitae Variant Classification Sherloc (09022015). Collection method: clinical testing. Allele origin: germline.
Comment: This sequence change replaces glutamic acid, which is acidic and polar, with aspartic acid, which is acidic and polar, at codon 132 of the SAMD9L protein (p.Glu132Asp). This variant is not present in population databases (gnomAD no frequency). This variant has not been reported in the literature in individuals affected with SAMD9L-related conditions. An algorithm developed to predict the effect of missense changes on protein structure and function (PolyPhen-2) suggests that this variant is likely to be tolerated. In summary, the available evidence is currently insufficient to determine the role of this variant in disease. Therefore, it has been classified as a Variant of Uncertain Significance.